The following is an entry in ClinVar:

NM_001370259.2(MEN1):c.1814G>T (p.Arg605Leu)

Gene: MEN1 (menin 1; minus strand). Cytogenetic location: 11q13.1.
Variant type: single nucleotide variant.
Coding change: c.1814G>T on transcript NM_001370259.2 (MANE Select); coding-DNA position 1814, G replaced by T.
Protein change: p.Arg605Leu; replaces arginine 605 with leucine.
Molecular consequence: missense variant.
Genome position (GRCh38, 1-based): chr11:64,804,353, C>A on the plus strand (G>T on the coding strand, the complement: MEN1 is on the minus strand). VCF-style: chr11-64804353-C-A. GRCh37 (hg19) VCF-style: chr11-64571825-C-A.
Other names: c.1814G>T, p.Arg605Leu (NM_001370261.2, NM_130799.3, NM_001370260.2); c.1709G>T, p.Arg570Leu (NM_001370262.2, NM_001370263.2); c.1829G>T, p.Arg610Leu (NM_130800.3, NM_130801.3, NM_130802.3 and 3 more transcripts); c.1940G>T, p.Arg647Leu (NM_001370251.2); short protein forms R605L, R610L, R647L, R570L.
Identifiers: ClinVar variation 940093 (VCV000940093.9), dbSNP rs1555163002, ClinGen allele CA381177083.

ClinVar aggregate classification (germline): Uncertain significance (1 of 4 stars; one submission).

Conditions:
Multiple endocrine neoplasia, type 1 (MEN1). Also called: MEN I; WERMER SYNDROME; Endocrine adenomatosis multiple; MEN 1; MEA I. Identifiers: Orphanet 652, MedGen C0025267, MeSH D018761, MONDO:0007540, OMIM 131100.

Submission:

Labcorp Genetics (formerly Invitae), Labcorp
Classification: Uncertain significance for Multiple endocrine neoplasia, type 1. Last evaluated: 2022-10-05. Review status: criteria provided, single submitter. Criteria: Invitae Variant Classification Sherloc (09022015). Collection method: clinical testing. Allele origin: germline.
Comment: In summary, the available evidence is currently insufficient to determine the role of this variant in disease. Therefore, it has been classified as a Variant of Uncertain Significance. Advanced modeling of protein sequence and biophysical properties (such as structural, functional, and spatial information, amino acid conservation, physicochemical variation, residue mobility, and thermodynamic stability) performed at Invitae indicates that this missense variant is expected to disrupt MEN1 protein function. ClinVar contains an entry for this variant (Variation ID: 940093). This variant has not been reported in the literature in individuals affected with MEN1-related conditions. This variant is not present in population databases (gnomAD no frequency). This sequence change replaces arginine, which is basic and polar, with leucine, which is neutral and non-polar, at codon 605 of the MEN1 protein (p.Arg605Leu).